The following is an entry in ClinVar:

NM_001267550.2(TTN):c.14535C>T (p.Asp4845=)

Gene: TTN (titin; minus strand). Cytogenetic location: 2q31.2.
Variant type: single nucleotide variant.
Coding change: c.14535C>T on transcript NM_001267550.2 (MANE Select); coding-DNA position 14535, C replaced by T.
Protein change: p.Asp4845=; no amino-acid change (aspartic acid 4845 retained).
Molecular consequence: synonymous variant. On other transcripts: intron variant (3).
Genome position (GRCh38, 1-based): chr2:178,735,911, G>A on the plus strand (C>T on the coding strand, the complement: TTN is on the minus strand). VCF-style: chr2-178735911-G-A. GRCh37 (hg19) VCF-style: chr2-179600638-G-A.
Other names: c.13584C>T, p.Asp4528= (NM_001256850.1); c.10803C>T, p.Asp3601= (NM_133378.4); c.13282+2171C>T (NM_003319.4); c.13858+2171C>T (NM_133437.4); c.13657+2171C>T (NM_133432.3).
Identifiers: ClinVar variation 46589 (VCV000046589.70), dbSNP rs184307461, ClinGen allele CA138679.
Genomic context (GRCh38, chr2:178,735,911, plus strand): 5'-ATAAACTCCTCTATCTTGAATGGTAAGGTTTGAGAGTTCTAAAATGTGTTTGTTTTCTGC[G>A]TCGGAAATCCTCCAGTTAGGTGAAGGTGAGAGTGCAGCACCATCTTTCTGCCAAATGGTT-3'
Protein context (NP_001254479.2, residues 4835-4855): LSPSPNWRIS[Asp4845=]AENKHILELS

ClinVar aggregate classification (germline): Conflicting classifications of pathogenicity. Review status: criteria provided, conflicting classifications (1 of 4 stars). 13 submissions from 13 submitters: Uncertain significance (1); Benign (1); Likely benign (9). 2 of the submissions do not count toward it. Last evaluated 2026-03-01.

Conditions:
Dilated cardiomyopathy 1G (CMD1G). Identifiers: Orphanet 154, MedGen C1858763, MONDO:0011400, OMIM 604145.
Autosomal recessive limb-girdle muscular dystrophy type 2J (LGMDR10). Also called: Limb-girdle muscular dystrophy, type 2J; MUSCULAR DYSTROPHY, LIMB-GIRDLE, AUTOSOMAL RECESSIVE 10. Identifiers: Orphanet 140922, MedGen C1837342, MONDO:0012127, OMIM 608807.
Cardiomyopathy (CMYO). Also called: Cardiomyopathies. Identifiers: Orphanet 167848, MedGen C0878544, MONDO:0004994, HP:0001638. Inheritance: Various modes of inheritance.

Allele frequency attached by ClinVar (database versions not stated): gnomAD exomes 0.00013 and 0.00020; ESP Exome Variant Server 0.00016; ExAC 0.00019; gnomAD 0.00026 and 0.00027; TOPMed 0.00042; 1000 Genomes Project 30x 0.00047; 1000 Genomes Project 0.00060.
gnomAD v4.1: 245 of 1,613,836 alleles (0.015%); highest among the groups gnomAD compares: Admixed American, 0.1%; 1 homozygote.

Submissions (13):

CeGaT Center for Human Genetics Tuebingen
Classification: Likely benign. Last evaluated: 2026-03-01. Review status: criteria provided, single submitter. Criteria: CeGaT Center For Human Genetics Tuebingen Variant Classification Criteria Version 2. Collection method: clinical testing. Allele origin: germline. Affected: yes. Observed: 9 variant alleles.
Comment: TTN: BP4, BP7

Labcorp Genetics (formerly Invitae), Labcorp
Classification: Likely benign for Dilated cardiomyopathy 1G; Autosomal recessive limb-girdle muscular dystrophy type 2J. Last evaluated: 2026-01-31. Review status: criteria provided, single submitter. Criteria: Invitae Variant Classification Sherloc (09022015). Collection method: clinical testing. Allele origin: germline.

Molecular Diagnostic Laboratory for Inherited Cardiovascular Disease, Montreal Heart Institute
Classification: Likely benign. Last evaluated: 2025-04-09. Review status: criteria provided, single submitter. Criteria: ACMG Guidelines, 2015. Collection method: clinical testing. Allele origin: germline. Affected: no.

Blueprint Genetics
Classification: Likely benign. Last evaluated: 2024-09-15. Review status: criteria provided, single submitter. Criteria: ACMG Guidelines, 2015. Collection method: clinical testing. Allele origin: germline.

Women's Health and Genetics/Laboratory Corporation of America, LabCorp
Classification: Likely benign. Last evaluated: 2023-08-19. Review status: criteria provided, single submitter. Criteria: LabCorp Variant Classification Summary - May 2015. Collection method: clinical testing. Allele origin: germline.

GeneDx
Classification: Likely benign. Last evaluated: 2021-05-20. Review status: criteria provided, single submitter. Criteria: GeneDx Variant Classification Process June 2021. Collection method: clinical testing. Allele origin: germline. Affected: yes.
Comment: This variant is associated with the following publications: (PMID: 24503780)

CHEO Genetics Diagnostic Laboratory, Children's Hospital of Eastern Ontario
Classification: Likely benign for Cardiomyopathy. Last evaluated: 2020-12-07. Review status: criteria provided, single submitter. Criteria: ACMG Guidelines, 2015. Collection method: clinical testing. Allele origin: germline.

Athena Diagnostics
Classification: Benign. Last evaluated: 2019-06-04. Review status: criteria provided, single submitter. Criteria: Athena Diagnostics Criteria. Collection method: clinical testing. Allele origin: germline.

ARUP Laboratories, Molecular Genetics and Genomics, ARUP Laboratories
Classification: Likely benign. Last evaluated: 2019-05-22. Review status: criteria provided, single submitter. Criteria: ARUP Molecular Germline Variant Investigation Process. Collection method: clinical testing. Allele origin: germline.

Eurofins Ntd Llc (ga)
Classification: Uncertain significance. Last evaluated: 2018-02-15. Review status: criteria provided, single submitter. Criteria: EGL ClinVar v180209 classification definitions. Collection method: clinical testing. Allele origin: germline. Observed: 7 variant alleles, 6 heterozygotes, 1 homozygote.

Laboratory for Molecular Medicine, Mass General Brigham Personalized Medicine
Classification: Likely benign. Last evaluated: 2015-08-21. Review status: criteria provided, single submitter. Criteria: LMM Criteria. Collection method: clinical testing. Allele origin: germline. Observed: 3 variant alleles.
Comment: p.Asp3601Asp in exon 47 of TTN: This variant is not expected to have clinical si gnificance because it does not alter an amino acid residue and is not located wi thin the splice consensus sequence. It has been identified in 7/ 11536 Latino ch romosomes and 14/66666 European chromosomes by the Exome Aggregation Consortium (rs184307461).

Clinical Genetics, Academic Medical Center
Classification: Benign. Review status: no assertion criteria provided. Collection method: clinical testing. Allele origin: germline. Affected: yes. Study: VKGL Data-share Consensus. Not counted in ClinVar's aggregate classification.

Diagnostic Laboratory, Department of Genetics, University Medical Center Groningen
Classification: Likely benign. Review status: no assertion criteria provided. Collection method: clinical testing. Allele origin: germline. Affected: yes. Study: VKGL Data-share Consensus. Not counted in ClinVar's aggregate classification.